The following is an entry in ClinVar:

NM_016734.3(PAX5):c.101C>T (p.Pro34Leu)

Gene: PAX5 (paired box 5; minus strand). Cytogenetic location: 9p13.2.
Variant type: single nucleotide variant.
Coding change: c.101C>T on transcript NM_016734.3 (MANE Select); coding-DNA position 101, C replaced by T.
Protein change: p.Pro34Leu; replaces proline 34 with leucine.
Molecular consequence: missense variant. On other transcripts: non-coding transcript variant (2), intron variant (2).
Genome position (GRCh38, 1-based): chr9:37,020,747, G>A on the plus strand (C>T on the coding strand, the complement: PAX5 is on the minus strand). VCF-style: chr9-37020747-G-A. GRCh37 (hg19) VCF-style: chr9-37020744-G-A.
Other names: c.101C>T (NM_016734.2); c.101C>T, p.Pro34Leu (NM_001280547.2, NM_001280548.2, NM_001280549.2 and 5 more transcripts); c.-112-5553C>T (NM_001280551.2, NM_001280556.2); short protein forms P34L.
Identifiers: ClinVar variation 2785249 (VCV002785249.4), dbSNP rs1839781585, ClinGen allele CA373488426.

ClinVar aggregate classification (germline): Uncertain significance. Review status: criteria provided, multiple submitters, no conflicts (2 of 4 stars). 2 submissions from 2 submitters: Uncertain significance (2). Last evaluated 2024-03-07.

Conditions:
Leukemia, acute lymphoblastic, susceptibility to, 3 (ALL3). Identifiers: MedGen C3809874, MONDO:0014241, OMIM 615545.

Allele frequency attached by ClinVar (database versions not stated): gnomAD exomes below 0.00001; TOPMed below 0.00001.
gnomAD v4.1: 1 of 1,614,088 alleles (0.000062%); highest among the groups gnomAD compares: Non-Finnish European, 0.000085%; no homozygotes.

Submissions (2):

Fulgent Genetics
Classification: Uncertain significance for Leukemia, acute lymphoblastic, susceptibility to, 3. Last evaluated: 2024-03-07. Review status: criteria provided, single submitter. Criteria: ACMG Guidelines, 2015. Collection method: clinical testing. Allele origin: germline.

Labcorp Genetics (formerly Invitae), Labcorp
Classification: Uncertain significance. Last evaluated: 2023-01-20. Review status: criteria provided, single submitter. Criteria: Invitae Variant Classification Sherloc (09022015). Collection method: clinical testing. Allele origin: germline.
Comment: In summary, the available evidence is currently insufficient to determine the role of this variant in disease. Therefore, it has been classified as a Variant of Uncertain Significance. Advanced modeling of protein sequence and biophysical properties (such as structural, functional, and spatial information, amino acid conservation, physicochemical variation, residue mobility, and thermodynamic stability) performed at Invitae indicates that this missense variant is expected to disrupt PAX5 protein function. This variant has not been reported in the literature in individuals affected with PAX5-related conditions. This variant is not present in population databases (gnomAD no frequency). This sequence change replaces proline, which is neutral and non-polar, with leucine, which is neutral and non-polar, at codon 34 of the PAX5 protein (p.Pro34Leu).